The following is an entry in ClinVar:

NM_003919.3(SGCE):c.1091T>C (p.Ile364Thr)

Genes: CASD1 (CAS1 domain sialic acid O acetyltransferase 1; plus strand), SGCE (sarcoglycan epsilon; minus strand). Cytogenetic location: 7q21.3.
Variant type: single nucleotide variant.
Coding change: c.1091T>C on transcript NM_003919.3 (MANE Select); coding-DNA position 1091, T replaced by C.
Protein change: p.Ile364Thr; replaces isoleucine 364 with threonine.
Molecular consequence: missense variant.
Genome position (GRCh38, 1-based): chr7:94,598,937, A>G on the plus strand (T>C on the coding strand, the complement: SGCE is on the minus strand). VCF-style: chr7-94598937-A-G. GRCh37 (hg19) VCF-style: chr7-94228249-A-G.
Other names: c.1064T>C, p.Ile355Thr (NM_001099400.2, NM_001346717.2); c.1091T>C, p.Ile364Thr (NM_001099401.2); c.968T>C, p.Ile323Thr (NM_001301139.2); c.1199T>C, p.Ile400Thr (NM_001346713.2); c.1172T>C, p.Ile391Thr (NM_001346715.2); c.1004T>C, p.Ile335Thr (NM_001346719.2); c.818T>C, p.Ile273Thr (NM_001346720.2); c.977T>C, p.Ile326Thr (NM_001362807.2); and 2 more; short protein forms I273T, I355T, I264T, I314T, I323T, I326T, I364T, I400T.
Identifiers: ClinVar variation 860502 (VCV000860502.9), dbSNP rs1798813790, ClinGen allele CA368229297.

ClinVar aggregate classification (germline): Uncertain significance (1 of 4 stars; one submission).

Conditions:
Myoclonic dystonia 11 (DYT11). Also called: Myoclonic dystonia; DYT-SGCE; Dystonia 11; Dystonia, alcohol responsive; Hereditary essential myoclonus; SGCE Myoclonus-Dystonia. Identifiers: Orphanet 36899, MedGen C1834570, MONDO:0008044, OMIM 159900.

Submission:

Labcorp Genetics (formerly Invitae), Labcorp
Classification: Uncertain significance for Myoclonic dystonia 11. Last evaluated: 2024-01-24. Review status: criteria provided, single submitter. Criteria: Invitae Variant Classification Sherloc (09022015). Collection method: clinical testing. Allele origin: germline.
Comment: This sequence change replaces isoleucine, which is neutral and non-polar, with threonine, which is neutral and polar, at codon 364 of the SGCE protein (p.Ile364Thr). This variant is not present in population databases (gnomAD no frequency). This variant has not been reported in the literature in individuals affected with SGCE-related conditions. ClinVar contains an entry for this variant (Variation ID: 860502). Advanced modeling of protein sequence and biophysical properties (such as structural, functional, and spatial information, amino acid conservation, physicochemical variation, residue mobility, and thermodynamic stability) performed at Invitae indicates that this missense variant is not expected to disrupt SGCE protein function with a negative predictive value of 80%. In summary, the available evidence is currently insufficient to determine the role of this variant in disease. Therefore, it has been classified as a Variant of Uncertain Significance.